The following is an entry in ClinVar:

NM_001122630.2(CDKN1C):c.331G>T (p.Ala111Ser)

Gene: CDKN1C (cyclin dependent kinase inhibitor 1C; minus strand). Cytogenetic location: 11p15.4.
Variant type: single nucleotide variant.
Coding change: c.331G>T on transcript NM_001122630.2 (MANE Select); coding-DNA position 331, G replaced by T.
Protein change: p.Ala111Ser; replaces alanine 111 with serine.
Molecular consequence: missense variant. On other transcripts: intron variant (1).
Genome position (GRCh38, 1-based): chr11:2,885,126, C>A on the plus strand (G>T on the coding strand, the complement: CDKN1C is on the minus strand). VCF-style: chr11-2885126-C-A. GRCh37 (hg19) VCF-style: chr11-2906356-C-A.
Other names: c.364G>T, p.Ala122Ser (NM_000076.2, NM_001362474.2); c.331G>T, p.Ala111Ser (NM_001122631.2); c.255+76G>T (NM_001362475.2); short protein forms A122S, A111S.
Identifiers: ClinVar variation 2057855 (VCV002057855.4), dbSNP rs551863674, ClinGen allele CA379146852.

ClinVar aggregate classification (germline): Uncertain significance (1 of 4 stars; one submission).

Conditions:
Beckwith-Wiedemann syndrome (BWS). Also called: Exomphalos macroglossia gigantism syndrome; EMG SYNDROME. Identifiers: Orphanet 116, MedGen C0004903, MONDO:0007534, OMIM 130650.

Submission:

Labcorp Genetics (formerly Invitae), Labcorp
Classification: Uncertain significance for Beckwith-Wiedemann syndrome. Last evaluated: 2025-01-28. Review status: criteria provided, single submitter. Criteria: Invitae Variant Classification Sherloc (09022015). Collection method: clinical testing. Allele origin: germline.
Comment: This sequence change replaces alanine, which is neutral and non-polar, with serine, which is neutral and polar, at codon 122 of the CDKN1C protein (p.Ala122Ser). This variant is not present in population databases (gnomAD no frequency). This variant has not been reported in the literature in individuals affected with CDKN1C-related conditions. ClinVar contains an entry for this variant (Variation ID: 2057855). Invitae Evidence Modeling of protein sequence and biophysical properties (such as structural, functional, and spatial information, amino acid conservation, physicochemical variation, residue mobility, and thermodynamic stability) indicates that this missense variant is not expected to disrupt CDKN1C protein function with a negative predictive value of 80%. In summary, the available evidence is currently insufficient to determine the role of this variant in disease. Therefore, it has been classified as a Variant of Uncertain Significance.